The following is an entry in ClinVar:

ClinVar aggregate classification (germline): Uncertain significance. Review status: criteria provided, multiple submitters, no conflicts (2 of 4 stars). 5 submissions from 5 submitters: Uncertain significance (5). Last evaluated 2026-01-26.

Conditions:
Ehlers-Danlos syndrome, musculocontractural type (EDSMC). Also called: ADDUCTED THUMB-CLUBFOOT SYNDROME; ARTHROGRYPOSIS, DISTAL, WITH PECULIAR FACIES AND HYDRONEPHROSIS; Adducted thumb, clubfoot, progressive joint and skin laxity syndrome; DUNDAR SYNDROME. Identifiers: Orphanet 2953, MedGen C1866294, MONDO:0011142.
Cardiovascular phenotype. Identifiers: MedGen CN230736.

Allele frequency attached by ClinVar (database versions not stated): gnomAD 0.00002; gnomAD exomes 0.00002; TOPMed 0.00002; ExAC 0.00006.

Submissions (5):

Women's Health and Genetics/Laboratory Corporation of America, LabCorp
Classification: Uncertain significance. Last evaluated: 2026-01-26. Review status: criteria provided, single submitter. Criteria: LabCorp Variant Classification Summary - May 2015. Collection method: clinical testing. Allele origin: germline.
Comment: Variant summary: CHST14 c.143C>T (p.Ala48Val) results in a non-conservative amino acid change in the encoded protein sequence. Algorithms developed to predict the effect of missense changes on protein structure and function are either unavailable or do not agree on the potential impact of this missense change. The variant allele was found at a frequency of 1.9e-05 in 157238 control chromosomes. The available data on variant occurrences in the general population are insufficient to allow any conclusion about variant significance. To our knowledge, no occurrence of c.143C>T in individuals affected with CHST14-related conditions and no experimental evidence demonstrating its impact on protein function have been reported. ClinVar contains an entry for this variant (Variation ID: 281584). Based on the evidence outlined above, the variant was classified as uncertain significance.

Ambry Genetics
Classification: Uncertain significance for Cardiovascular phenotype. Last evaluated: 2025-01-09. Review status: criteria provided, single submitter. Criteria: Ambry Variant Classification Scheme 2023. Collection method: clinical testing. Allele origin: germline.
Comment: The p.A48V variant (also known as c.143C>T), located in coding exon 1 of the CHST14 gene, results from a C to T substitution at nucleotide position 143. The alanine at codon 48 is replaced by valine, an amino acid with similar properties. This amino acid position is not well conserved in available vertebrate species. In addition, this alteration is predicted to be tolerated by in silico analysis. Based on the available evidence, the clinical significance of this variant remains unclear.

GeneDx
Classification: Uncertain significance. Last evaluated: 2024-04-24. Review status: criteria provided, single submitter. Criteria: GeneDx Variant Classification Process June 2021. Collection method: clinical testing. Allele origin: germline. Affected: yes.
Comment: Not observed at significant frequency in large population cohorts (gnomAD); In silico analysis indicates that this missense variant does not alter protein structure/function; Has not been previously published as pathogenic or benign to our knowledge

Labcorp Genetics (formerly Invitae), Labcorp
Classification: Uncertain significance for Ehlers-Danlos syndrome, musculocontractural type. Last evaluated: 2022-03-25. Review status: criteria provided, single submitter. Criteria: Invitae Variant Classification Sherloc (09022015). Collection method: clinical testing. Allele origin: germline.
Comment: This sequence change replaces alanine, which is neutral and non-polar, with valine, which is neutral and non-polar, at codon 48 of the CHST14 protein (p.Ala48Val). The frequency data for this variant in the population databases is considered unreliable, as metrics indicate poor data quality at this position in the gnomAD database. This variant has not been reported in the literature in individuals affected with CHST14-related conditions. ClinVar contains an entry for this variant (Variation ID: 281584). Algorithms developed to predict the effect of missense changes on protein structure and function (SIFT, PolyPhen-2, Align-GVGD) all suggest that this variant is likely to be tolerated. In summary, the available evidence is currently insufficient to determine the role of this variant in disease. Therefore, it has been classified as a Variant of Uncertain Significance.

Eurofins Ntd Llc (ga)
Classification: Uncertain significance. Last evaluated: 2015-06-30. Review status: criteria provided, single submitter. Criteria: EGL Classification Definitions 2015. Collection method: clinical testing. Allele origin: germline. Observed: 1 variant allele, 1 heterozygote.

NM_130468.4(CHST14):c.143C>T (p.Ala48Val)

Genes: CHST14 (carbohydrate sulfotransferase 14; plus strand), LOC130056851 (ATAC-STARR-seq lymphoblastoid silent region 6336; plus strand). Cytogenetic location: 15q15.1.
Variant type: single nucleotide variant.
Coding change: c.143C>T on transcript NM_130468.4 (MANE Select); coding-DNA position 143, C replaced by T.
Protein change: p.Ala48Val; replaces alanine 48 with valine.
Molecular consequence: missense variant.
Genome position (GRCh38, 1-based): chr15:40,471,356, C>T. VCF-style: chr15-40471356-C-T. GRCh37 (hg19) VCF-style: chr15-40763555-C-T.
Other names: short protein forms A48V.
Identifiers: ClinVar variation 281584 (VCV000281584.16), dbSNP rs780919131, ClinGen allele CA7481552.